The following is an entry in ClinVar:

NC_000011.10:g.(?_3856251)_(4091818_?)del

Genes: STIM1 (stromal interaction molecule 1; plus strand), LOC112081391 (Sharpr-MPRA regulatory region 4669; plus strand), LOC121832782 (Sharpr-MPRA regulatory region 4967; plus strand), LOC121832783 (Sharpr-MPRA regulatory region 1570; plus strand), LOC124418420 (Sharpr-MPRA regulatory region 12872; plus strand) and 10 more. Cytogenetic location: 11p15.4.
Variant type: Deletion.
Identifiers: ClinVar variation 665042 (VCV000665042.9).

ClinVar aggregate classification (germline): Pathogenic. Review status: criteria provided, single submitter (1 of 4 stars). 2 submissions from 1 submitter: Pathogenic (2). Last evaluated 2018-09-25.

Conditions:
Combined immunodeficiency due to STIM1 deficiency. Also called: IMMUNODEFICIENCY 10; STIM1 DEFICIENCY. Identifiers: Orphanet 169090, Orphanet 317430, MedGen C2748557, MONDO:0013008, OMIM 612783.
Stormorken syndrome (STRMK). Also called: THROMBOCYTOPATHY, ASPLENIA, AND MIOSIS. Identifiers: Orphanet 3204, MedGen C1861451, MONDO:0008497, OMIM 185070.
Myopathy with tubular aggregates (TAM). Also called: Tubular Aggregate Myopathy. Identifiers: Orphanet 2593, MedGen C0410207, MONDO:0008051.
Myopathy, tubular aggregate, 1 (TAM1). Identifiers: MedGen C4011726, MONDO:0024531, OMIM 160565.

Submissions (2):

Labcorp Genetics (formerly Invitae), Labcorp
Classification: Pathogenic for Myopathy with tubular aggregates; Immune dysfunction with T-cell inactivation due to calcium entry defect 2; Stormorken syndrome. Last evaluated: 2018-09-25. Review status: criteria provided, single submitter. Criteria: Invitae Variant Classification Sherloc (09022015). Collection method: clinical testing. Allele origin: germline.
Comment: A gross deletion of the genomic region encompassing the full coding sequence of the STIM1 gene has been identified. The boundaries of this event are unknown as the deletion extends beyond the assayed region for this gene and therefore may encompass additional genes. This variant has not been reported in the literature in individuals with STIM1-related disease. Loss-of-function variants in STIM1 are known to be pathogenic (PMID: 19420366, 20876309). For these reasons, this variant has been classified as Pathogenic.

Labcorp Genetics (formerly Invitae), Labcorp
Classification: Pathogenic for Myopathy with tubular aggregates; Combined immunodeficiency due to STIM1 deficiency; Stormorken syndrome. Last evaluated: 2018-09-19. Review status: criteria provided, single submitter. Criteria: Invitae Variant Classification Sherloc (09022015). Collection method: clinical testing. Allele origin: germline.
Comment: For these reasons, this variant has been classified as Pathogenic. Loss-of-function variants in STIM1 are known to be pathogenic (PMID: 19420366, 20876309). This variant has not been reported in the literature in individuals with STIM1-related disease. A gross deletion of the genomic region encompassing the full coding sequence of the STIM1 gene has been identified. The boundaries of this event are unknown as the deletion extends beyond the assayed region for this gene and therefore may encompass additional genes.

Literature cited by the submitters: PubMed 19420366; PubMed 20876309.